The following is an entry in ClinVar:

NM_001001548.3(CD36):c.1125+13C>A

Gene: CD36 (CD36 molecule (CD36 blood group); plus strand). Cytogenetic location: 7q21.11.
Variant type: single nucleotide variant.
Coding change: c.1125+13C>A on transcript NM_001001548.3 (MANE Select); 13 bases into the intron after coding-DNA position 1125, C replaced by A.
Molecular consequence: intron variant.
Genome position (GRCh38, 1-based): chr7:80,672,053, C>A. VCF-style: chr7-80672053-C-A. GRCh37 (hg19) VCF-style: chr7-80301369-C-A.
Other names: c.1125+13C>A (NM_001371075.1, NM_001001547.3, NM_001371074.1 and 5 more transcripts); c.660+13C>A (NM_001371081.1, NM_001371080.1); c.897+13C>A (NM_001289911.2); c.1023+13C>A (NM_001371079.1); c.945+13C>A (NM_001289909.1); c.1008+13C>A (NM_001289908.1).
Identifiers: ClinVar variation 360765 (VCV000360765.9), dbSNP rs3211942, ClinGen allele CA4315599.
Genomic context (GRCh38, chr7:80,672,053, plus strand): 5'-TTAAACCCAAATGAAGAAGAACATAGGACATACTTGGATATTGAACCTGTAAGAAAACAC[C>A]TTATTGATCTGATTTGGTTGATATTTTTAAAAATACAATTGAAATAAAAATAATCTTGTC-3'

ClinVar aggregate classification (germline): Benign/Likely benign. Review status: criteria provided, multiple submitters, no conflicts (2 of 4 stars). 3 submissions from 3 submitters: Benign (1); Likely benign (2). Last evaluated 2018-11-10.

Conditions:
Platelet-type bleeding disorder 10. Also called: CD36 DEFICIENCY. Identifiers: MedGen C1842090, MONDO:0012031, OMIM 608404.

Allele frequency attached by ClinVar (database versions not stated): gnomAD exomes 0.00684 and 0.01357; ExAC 0.01520; gnomAD 0.02510 and 0.02583; ESP Exome Variant Server 0.02638; TOPMed 0.02749; 1000 Genomes Project 30x 0.04638; 1000 Genomes Project 0.04712.
gnomAD v4.1: 14,036 of 1,589,156 alleles (0.88%); highest among the groups gnomAD compares: East Asian, 13%; 648 homozygotes.

Submissions (3):

GeneDx
Classification: Benign. Last evaluated: 2018-11-10. Review status: criteria provided, single submitter. Criteria: GeneDx Variant Classification Process June 2021. Collection method: clinical testing. Allele origin: germline. Affected: yes.
Comment: This variant is associated with the following publications: (PMID: 32129498)

Illumina Laboratory Services, Illumina
Classification: Likely benign for Platelet-type bleeding disorder 10. Last evaluated: 2018-01-12. Review status: criteria provided, single submitter. Criteria: ICSL Variant Classification Criteria 13 December 2019. Collection method: clinical testing. Allele origin: germline.
Comment: This variant was observed in the ICSL laboratory as part of a predisposition screen in an ostensibly healthy population. It had not been previously curated by ICSL or reported in the Human Gene Mutation Database (HGMD: prior to June 1st, 2018), and was therefore a candidate for classification through an automated scoring system. Utilizing variant allele frequency, disease prevalence and penetrance estimates, and inheritance mode, an automated score was calculated to assess if this variant is too frequent to cause the disease. Based on the score and internal cut-off values, a variant classified as likely benign is not then subjected to further curation. The score for this variant resulted in a classification of likely benign for this disease.

Breakthrough Genomics
Classification: Likely benign. Review status: criteria provided, single submitter. Criteria: ACMG Guidelines, 2015. Collection method: not provided. Allele origin: germline. Inheritance: Autosomal recessive inheritance. Affected: yes.